The following is an entry in ClinVar:

NM_000138.5(FBN1):c.1817C>A (p.Ser606Ter)

Gene: FBN1 (fibrillin 1; minus strand). Cytogenetic location: 15q21.1.
Variant type: single nucleotide variant.
Coding change: c.1817C>A on transcript NM_000138.5 (MANE Select); coding-DNA position 1817, C replaced by A.
Protein change: p.Ser606Ter; replaces serine 606 with a stop codon.
Molecular consequence: nonsense.
Genome position (GRCh38, 1-based): chr15:48,508,602, G>T on the plus strand (C>A on the coding strand, the complement: FBN1 is on the minus strand). VCF-style: chr15-48508602-G-T. GRCh37 (hg19) VCF-style: chr15-48800799-G-T.
Other names: p.S606X:TCA>TAA; short protein forms S606*.
Identifiers: ClinVar variation 199979 (VCV000199979.7), dbSNP rs794728176, ClinGen allele CA012566.
Genomic context (GRCh38, chr15:48,508,602, plus strand): 5'-GGCACGTGAAGAACATGATCTAGGGTTTTATAGCACGAACCTTTGCAATAACGTCCATCT[G>T]ATGCCAGCTGGAATCCAGGTTTGCAAATACATTTAAAACTGCCATCTTCATTGATACACA-3'

ClinVar aggregate classification (germline): Pathogenic/Likely pathogenic. Review status: criteria provided, multiple submitters, no conflicts (2 of 4 stars). 3 submissions from 3 submitters: Pathogenic (1); Likely pathogenic (2). Last evaluated 2026-08-12.

Conditions:
Familial aortopathy. Identifiers: MedGen CN078214.
Marfan syndrome (MFS). Also called: MARFAN SYNDROME, TYPE I; Marfan syndrome, classic; FBN1-Related Marfan Syndrome; Marfan syndrome type 1; Marfan's syndrome. Identifiers: Orphanet 284963, Orphanet 558, MedGen C0024796, MONDO:0007947, OMIM 154700.

Submissions (3):

GeneDx
Classification: Pathogenic. Last evaluated: 2026-08-12. Review status: criteria provided, single submitter. Criteria: GeneDx Variant Classification Process June 2021. Collection method: clinical testing. Allele origin: germline.
Comment: Has not been previously published as pathogenic or benign to our knowledge; Not observed at significant frequency in large population cohorts (gnomAD); Nonsense variant predicted to result in protein truncation or nonsense mediated decay in a gene for which loss of function is a known mechanism of disease

Women's Health and Genetics/Laboratory Corporation of America, LabCorp
Classification: Likely pathogenic for Familial aortopathy. Last evaluated: 2020-06-26. Review status: criteria provided, single submitter. Criteria: LabCorp Variant Classification Summary - May 2015. Collection method: clinical testing. Allele origin: germline.
Comment: Variant summary: FBN1 c.1817C>A (p.Ser606X) results in a premature termination codon, predicted to cause a truncation of the encoded protein or absence of the protein due to nonsense mediated decay, which are commonly known mechanisms for disease. Truncations downstream of this position have been classified as pathogenic by our laboratory. The variant was absent in 251324 control chromosomes. To our knowledge, no occurrence of c.1817C>A in individuals affected with Marfan syndrome/Aortopathy and no experimental evidence demonstrating its impact on protein function have been reported. One clinical diagnostic laboratory has submitted clinical-significance assessments for this variant to ClinVar after 2014 without evidence for independent evaluation and classified the variant as pathogenic. Based on the evidence outlined above, the variant was classified as likely pathogenic.

Laboratory for Molecular Medicine, Mass General Brigham Personalized Medicine
Classification: Likely pathogenic for Marfan syndrome. Last evaluated: 2019-04-16. Review status: criteria provided, single submitter. Criteria: ACMG Guidelines, 2015. Collection method: clinical testing. Allele origin: germline. Inheritance: Autosomal dominant inheritance.
Comment: The p.Ser606X variant in FBN1 has not been previously reported in individuals with Marfan syndrome and was absent from large population studies. This variant has also been reported in ClinVar (Variation ID 199979). This nonsense variant leads to a premature termination codon at position 606, which is predicted to lead to a truncated or absent protein. Heterozygous loss of function of the FBN1 gene is an established disease mechanism in Marfan syndrome. In summary, although additional studies are required to fully establish its clinical significance, the p.Ser606X variant meets criteria to be classified as likely pathogenic for autosomal dominant Marfan syndrome. ACMG/AMP Criteria applied: PVS1, PM2.